The following is an entry in ClinVar:

ClinVar aggregate classification (germline): Conflicting classifications of pathogenicity. Review status: criteria provided, conflicting classifications (1 of 4 stars). 4 submissions from 4 submitters: Uncertain significance (1); Benign (1); Likely benign (2). Last evaluated 2026-01-11.

Conditions:
Congenital lactic acidosis, Saguenay-Lac-Saint-Jean type (MC4DN5). Also called: CYTOCHROME c OXIDASE DEFICIENCY, FRENCH CANADIAN TYPE; COX DEFICIENCY, FRENCH CANADIAN TYPE; MITOCHONDRIAL COMPLEX IV DEFICIENCY, NUCLEAR TYPE 5. Identifiers: Orphanet 70472, MedGen C1857355, MONDO:0009069, OMIM 220111.

Allele frequency attached by ClinVar (database versions not stated): gnomAD exomes 0.00011 and 0.00024; ExAC 0.00013; gnomAD 0.00013 and 0.00016; TOPMed 0.00016; ESP Exome Variant Server 0.00023.
gnomAD v4.1: 360 of 1,601,280 alleles (0.022%); highest among the groups gnomAD compares: Non-Finnish European, 0.028%; 2 homozygotes.

Submissions (4):

Labcorp Genetics (formerly Invitae), Labcorp
Classification: Benign. Last evaluated: 2026-01-11. Review status: criteria provided, single submitter. Criteria: Invitae Variant Classification Sherloc (09022015). Collection method: clinical testing. Allele origin: germline.

Blueprint Genetics
Classification: Likely benign. Last evaluated: 2024-11-25. Review status: criteria provided, single submitter. Criteria: ACMG Guidelines, 2015. Collection method: clinical testing. Allele origin: germline.

Illumina Laboratory Services, Illumina
Classification: Uncertain significance for Congenital lactic acidosis, Saguenay-Lac-Saint-Jean type. Last evaluated: 2018-01-12. Review status: criteria provided, single submitter. Criteria: ICSL Variant Classification Criteria 13 December 2019. Collection method: clinical testing. Allele origin: germline.

GeneDx
Classification: Likely benign. Last evaluated: 2017-08-31. Review status: criteria provided, single submitter. Criteria: GeneDx Variant Classification (06012015). Collection method: clinical testing. Allele origin: germline. Affected: yes.
Comment: This variant is considered likely benign or benign based on one or more of the following criteria: it is a conservative change, it occurs at a poorly conserved position in the protein, it is predicted to be benign by multiple in silico algorithms, and/or has population frequency not consistent with disease.

NM_133259.4(LRPPRC):c.1583-14A>G

Gene: LRPPRC (leucine rich pentatricopeptide repeat containing; minus strand). Cytogenetic location: 2p21.
Variant type: single nucleotide variant.
Coding change: c.1583-14A>G on transcript NM_133259.4 (MANE Select); 14 bases into the intron before coding-DNA position 1583, A replaced by G.
Molecular consequence: intron variant.
Genome position (GRCh38, 1-based): chr2:43,957,465, T>C on the plus strand (A>G on the coding strand, the complement: LRPPRC is on the minus strand). VCF-style: chr2-43957465-T-C. GRCh37 (hg19) VCF-style: chr2-44184604-T-C.
Identifiers: ClinVar variation 336162 (VCV000336162.13), dbSNP rs372371276, ClinGen allele CA1638885.
Genomic context (GRCh38, chr2:43,957,465, plus strand): 5'-GCTACTTCTTATAGACTGCAGCGAGATGGGCAATGTATTTGATTTCACTGCAAAAGAAAA[T>C]GACCATCATTAAATCTCAGACCAAACAAATTTAAAAACCCTGTATTATCAAATTGAAAAC-3'